The following is an entry in ClinVar:

NM_000553.6(WRN):c.1846G>C (p.Ala616Pro)

Gene: WRN (WRN RecQ like helicase; plus strand). Cytogenetic location: 8p12.
Variant type: single nucleotide variant.
Coding change: c.1846G>C on transcript NM_000553.6 (MANE Select); coding-DNA position 1846, G replaced by C.
Protein change: p.Ala616Pro; replaces alanine 616 with proline.
Molecular consequence: missense variant.
Genome position (GRCh38, 1-based): chr8:31,091,846, G>C. VCF-style: chr8-31091846-G-C. GRCh37 (hg19) VCF-style: chr8-30949362-G-C.
Other names: short protein forms A616P.
Identifiers: ClinVar variation 948028 (VCV000948028.5), dbSNP rs1249084291, ClinGen allele CA370928378.

ClinVar aggregate classification (germline): Uncertain significance. Review status: criteria provided, multiple submitters, no conflicts (2 of 4 stars). 2 submissions from 2 submitters: Uncertain significance (2). Last evaluated 2024-04-03.

Conditions:
Werner syndrome (WRN). Identifiers: Orphanet 902, MedGen C0043119, MONDO:0010196, OMIM 277700.

Allele frequency attached by ClinVar (database versions not stated): gnomAD below 0.00001 and 0.00001; gnomAD exomes 0.00001 and 0.00002.
gnomAD v4.1: 8 of 1,613,088 alleles (0.0005%); highest among the groups gnomAD compares: South Asian, 0.0077%; 1 homozygote.

Submissions (2):

Fulgent Genetics
Classification: Uncertain significance for Werner syndrome. Last evaluated: 2024-04-03. Review status: criteria provided, single submitter. Criteria: ACMG Guidelines, 2015. Collection method: clinical testing. Allele origin: germline.

Labcorp Genetics (formerly Invitae), Labcorp
Classification: Uncertain significance for Werner syndrome. Last evaluated: 2023-08-27. Review status: criteria provided, single submitter. Criteria: Invitae Variant Classification Sherloc (09022015). Collection method: clinical testing. Allele origin: germline.
Comment: This sequence change replaces alanine, which is neutral and non-polar, with proline, which is neutral and non-polar, at codon 616 of the WRN protein (p.Ala616Pro). This variant is present in population databases (no rsID available, gnomAD 0.01%), including at least one homozygous and/or hemizygous individual. This variant has not been reported in the literature in individuals affected with WRN-related conditions. ClinVar contains an entry for this variant (Variation ID: 948028). An algorithm developed to predict the effect of missense changes on protein structure and function (PolyPhen-2) suggests that this variant is likely to be disruptive. In summary, the available evidence is currently insufficient to determine the role of this variant in disease. Therefore, it has been classified as a Variant of Uncertain Significance.